The following is an entry in ClinVar:

ClinVar aggregate classification (germline): Uncertain significance. Review status: criteria provided, multiple submitters, no conflicts (2 of 4 stars). 2 submissions from 2 submitters: Uncertain significance (2). Last evaluated 2023-06-21.

Conditions:
Hypertrophic cardiomyopathy. Also called: HYPERTROPHIC MYOCARDIOPATHY. Identifiers: Orphanet 217569, MedGen C0007194, MeSH D002312, MONDO:0005045, HP:0001639.

Submissions (2):

Labcorp Genetics (formerly Invitae), Labcorp
Classification: Uncertain significance for Hypertrophic cardiomyopathy. Last evaluated: 2023-06-21. Review status: criteria provided, single submitter. Criteria: Invitae Variant Classification Sherloc (09022015). Collection method: clinical testing. Allele origin: germline.
Comment: In summary, the available evidence is currently insufficient to determine the role of this variant in disease. Therefore, it has been classified as a Variant of Uncertain Significance. An algorithm developed to predict the effect of missense changes on protein structure and function (PolyPhen-2) suggests that this variant is likely to be disruptive. ClinVar contains an entry for this variant (Variation ID: 42892). This missense change has been observed in individual(s) with hypertrophic cardiomyopathy (PMID: 25611685, 27532257). This variant is not present in population databases (gnomAD no frequency). This sequence change replaces lysine, which is basic and polar, with arginine, which is basic and polar, at codon 762 of the MYH7 protein (p.Lys762Arg).

Laboratory for Molecular Medicine, Mass General Brigham Personalized Medicine
Classification: Uncertain significance. Last evaluated: 2014-04-04. Review status: criteria provided, single submitter. Criteria: LMM Criteria. Collection method: clinical testing. Allele origin: germline. Observed: 1 variant allele.
Comment: proposed classification - variant undergoing re-assessment, contact laboratory

Literature cited by the submitters: PubMed 25611685 (cited by Labcorp Genetics (formerly Invitae), Labcorp); PubMed 27532257 (cited by Labcorp Genetics (formerly Invitae), Labcorp).

NM_000257.4(MYH7):c.2285A>G (p.Lys762Arg)

Gene: MYH7 (myosin heavy chain 7; minus strand). Cytogenetic location: 14q11.2.
Variant type: single nucleotide variant.
Coding change: c.2285A>G on transcript NM_000257.4 (MANE Select); coding-DNA position 2285, A replaced by G.
Protein change: p.Lys762Arg; replaces lysine 762 with arginine.
Molecular consequence: missense variant.
Genome position (GRCh38, 1-based): chr14:23,425,696, T>C on the plus strand (A>G on the coding strand, the complement: MYH7 is on the minus strand). VCF-style: chr14-23425696-T-C. GRCh37 (hg19) VCF-style: chr14-23894905-T-C.
Other names: short protein forms K762R.
Identifiers: ClinVar variation 42892 (VCV000042892.8), dbSNP rs397516140, ClinGen allele CA012062.